The following is an entry in ClinVar:

NM_138694.4(PKHD1):c.2846del (p.Tyr949fs)

Gene: PKHD1 (PKHD1 ciliary IPT domain containing fibrocystin/polyductin; minus strand). Cytogenetic location: 6p12.2.
Variant type: Deletion.
Coding change: c.2846del on transcript NM_138694.4 (MANE Select); coding-DNA position 2846, one base deleted (A; older notation c.2846delA).
Protein change: p.Tyr949fs; shifts the reading frame from tyrosine 949.
Molecular consequence: frameshift variant.
Genome position (GRCh38, 1-based): chr6:52,043,110, T deleted on the plus strand (A on the coding strand, the reverse complement: PKHD1 is on the minus strand). VCF-style (leftmost placement, unchanged base first): chr6-52043109-GT-G. GRCh37 (hg19) VCF-style: chr6-51907907-GT-G.
Other names: c.2846del, p.Tyr949fs (NM_170724.3); short protein forms Y949fs.
Identifiers: ClinVar variation 1425404 (VCV001425404.6), dbSNP rs2128182991, ClinGen allele CA2573140962.

ClinVar aggregate classification (germline): Pathogenic (1 of 4 stars; one submission).

Conditions:
Autosomal recessive polycystic kidney disease (ARPKD). Also called: AR polycystic kidney disease. Identifiers: Orphanet 731, Orphanet 8378, MedGen C0085548, MeSH D017044, MONDO:0009889.

Submission:

Labcorp Genetics (formerly Invitae), Labcorp
Classification: Pathogenic for Autosomal recessive polycystic kidney disease. Last evaluated: 2024-07-01. Review status: criteria provided, single submitter. Criteria: Invitae Variant Classification Sherloc (09022015). Collection method: clinical testing. Allele origin: germline.
Comment: This sequence change creates a premature translational stop signal (p.Tyr949Serfs*18) in the PKHD1 gene. It is expected to result in an absent or disrupted protein product. Loss-of-function variants in PKHD1 are known to be pathogenic (PMID: 19940839). This variant is not present in population databases (gnomAD no frequency). This variant has not been reported in the literature in individuals affected with PKHD1-related conditions. ClinVar contains an entry for this variant (Variation ID: 1425404). For these reasons, this variant has been classified as Pathogenic.

Literature cited by the submitters: PubMed 19940839.